The following is an entry in ClinVar:

NM_000179.3(MSH6):c.577T>C (p.Leu193=)

Gene: MSH6 (mutS homolog 6; plus strand). Cytogenetic location: 2p16.3.
Variant type: single nucleotide variant.
Coding change: c.577T>C on transcript NM_000179.3 (MANE Select); coding-DNA position 577, T replaced by C.
Protein change: p.Leu193=; no amino-acid change (leucine 193 retained).
Molecular consequence: synonymous variant. On other transcripts: 5 prime UTR variant (1), intron variant (2).
Genome position (GRCh38, 1-based): chr2:47,796,013, T>C. VCF-style: chr2-47796013-T-C. GRCh37 (hg19) VCF-style: chr2-48023152-T-C.
Other names: c.-326T>C (NM_001281494.2); c.-279-2598T>C (NM_001281493.2); c.238-2598T>C (NM_001281492.2).
Identifiers: ClinVar variation 483781 (VCV000483781.15), dbSNP rs587779944, ClinGen allele CA425993066.

ClinVar aggregate classification (germline): Benign/Likely benign. Review status: criteria provided, multiple submitters, no conflicts (2 of 4 stars). 5 submissions from 5 submitters: Benign (1); Likely benign (4). Last evaluated 2025-12-23.

Conditions:
Hereditary nonpolyposis colorectal neoplasms. Identifiers: MedGen C0009405, MeSH D003123.
Lynch syndrome 5 (LYNCH5). Also called: Colorectal cancer, hereditary nonpolyposis, type 5; Hereditary non-polyposis colorectal cancer, type 5. Identifiers: Orphanet 144, MedGen C1833477, MONDO:0013710, OMIM 614350. Disease mechanism: loss of function.
Hereditary cancer-predisposing syndrome. Also called: Neoplastic Syndromes, Hereditary; Tumor predisposition; Hereditary Cancer Syndrome; Hereditary neoplastic syndrome. Identifiers: Orphanet 140162, MedGen C0027672, MeSH D009386, MONDO:0015356.

Allele frequency attached by ClinVar (database versions not stated): gnomAD 0.00001.
gnomAD v4.1: 6 of 1,613,940 alleles (0.00037%); highest among the groups gnomAD compares: Non-Finnish European, 0.00051%; no homozygotes.

Submissions (5):

Labcorp Genetics (formerly Invitae), Labcorp
Classification: Likely benign for Hereditary nonpolyposis colorectal neoplasms. Last evaluated: 2025-12-23. Review status: criteria provided, single submitter. Criteria: Invitae Variant Classification Sherloc (09022015). Collection method: clinical testing. Allele origin: germline.

Myriad Genetics, Inc.
Classification: Benign for Lynch syndrome 5. Last evaluated: 2024-12-19. Review status: criteria provided, single submitter. Criteria: Myriad Autosomal Dominant, Autosomal Recessive and X-Linked Classification Criteria (2023). Collection method: clinical testing. Allele origin: unknown.
Comment: This variant is considered benign. This variant is a silent/synonymous amino acid change and it is not expected to impact splicing.

GeneDx
Classification: Likely benign. Last evaluated: 2018-09-18. Review status: criteria provided, single submitter. Criteria: GeneDx Variant Classification Process June 2021. Collection method: clinical testing. Allele origin: germline. Affected: yes.

Color Diagnostics, LLC DBA Color Health
Classification: Likely benign for Hereditary cancer-predisposing syndrome. Last evaluated: 2017-06-24. Review status: criteria provided, single submitter. Criteria: ACMG Guidelines, 2015. Collection method: clinical testing. Allele origin: germline.

Ambry Genetics
Classification: Likely benign for Hereditary cancer-predisposing syndrome. Last evaluated: 2015-12-31. Review status: criteria provided, single submitter. Criteria: Ambry Variant Classification Scheme 2023. Collection method: clinical testing. Allele origin: germline.